The following is an entry in ClinVar:

ClinVar aggregate classification (germline): Uncertain significance (1 of 4 stars; one submission).

Conditions:
Cryopyrin associated periodic syndrome (CAPS). Identifiers: Orphanet 208650, MedGen C2316212, MONDO:0016168.

Allele frequency attached by ClinVar (database versions not stated): gnomAD 0.00001 and 0.00002; gnomAD exomes 0.00001 and 0.00003; ExAC 0.00002; TOPMed 0.00002.
gnomAD v4.1: 24 of 1,613,988 alleles (0.0015%); highest among the groups gnomAD compares: Admixed American, 0.012%; no homozygotes.

Submission:

Labcorp Genetics (formerly Invitae), Labcorp
Classification: Uncertain significance for Cryopyrin associated periodic syndrome. Last evaluated: 2025-06-12. Review status: criteria provided, single submitter. Criteria: Invitae Variant Classification Sherloc (09022015). Collection method: clinical testing. Allele origin: germline.
Comment: This sequence change replaces glycine, which is neutral and non-polar, with arginine, which is basic and polar, at codon 925 of the NLRP3 protein (p.Gly925Arg). This variant is present in population databases (rs767011471, gnomAD 0.007%). This variant has not been reported in the literature in individuals affected with NLRP3-related conditions. ClinVar contains an entry for this variant (Variation ID: 1471778). Invitae Evidence Modeling of protein sequence and biophysical properties (such as structural, functional, and spatial information, amino acid conservation, physicochemical variation, residue mobility, and thermodynamic stability) has been performed for this missense variant. However, the output from this modeling did not meet the statistical confidence thresholds required to predict the impact of this variant on NLRP3 protein function. In summary, the available evidence is currently insufficient to determine the role of this variant in disease. Therefore, it has been classified as a Variant of Uncertain Significance.

NM_001243133.2(NLRP3):c.2767G>A (p.Gly923Arg)

Gene: NLRP3 (NLR family pyrin domain containing 3; plus strand). Cytogenetic location: 1q44.
Variant type: single nucleotide variant.
Coding change: c.2767G>A on transcript NM_001243133.2 (MANE Select); coding-DNA position 2767, G replaced by A.
Protein change: p.Gly923Arg; replaces glycine 923 with arginine.
Molecular consequence: missense variant.
Genome position (GRCh38, 1-based): chr1:247,444,075, G>A. VCF-style: chr1-247444075-G-A. GRCh37 (hg19) VCF-style: chr1-247607377-G-A.
Other names: c.2767G>A, p.Gly923Arg (NM_001079821.3); c.2596G>A, p.Gly866Arg (NM_001127461.3, NM_001127462.3); c.2773G>A, p.Gly925Arg (NM_004895.5); c.2425G>A, p.Gly809Arg (NM_183395.3); short protein forms G923R, G809R, G866R, G925R.
Identifiers: ClinVar variation 1471778 (VCV001471778.8), dbSNP rs767011471, ClinGen allele CA1495351.